The following is an entry in ClinVar:

ClinVar aggregate classification (germline): Uncertain significance (1 of 4 stars; one submission).

Allele frequency attached by ClinVar (database versions not stated): gnomAD 0.00001.
gnomAD v4.1: 2 of 1,613,950 alleles (0.00012%); highest among the groups gnomAD compares: Non-Finnish European, 0.000085%; no homozygotes.

Submission:

Labcorp Genetics (formerly Invitae), Labcorp
Classification: Uncertain significance. Last evaluated: 2024-11-18. Review status: criteria provided, single submitter. Criteria: Invitae Variant Classification Sherloc (09022015). Collection method: clinical testing. Allele origin: germline.
Comment: This sequence change replaces phenylalanine, which is neutral and non-polar, with leucine, which is neutral and non-polar, at codon 1123 of the SPTA1 protein (p.Phe1123Leu). This variant is not present in population databases (gnomAD no frequency). This variant has not been reported in the literature in individuals affected with SPTA1-related conditions. ClinVar contains an entry for this variant (Variation ID: 2764887). Invitae Evidence Modeling of protein sequence and biophysical properties (such as structural, functional, and spatial information, amino acid conservation, physicochemical variation, residue mobility, and thermodynamic stability) has been performed for this missense variant. However, the output from this modeling did not meet the statistical confidence thresholds required to predict the impact of this variant on SPTA1 protein function. In summary, the available evidence is currently insufficient to determine the role of this variant in disease. Therefore, it has been classified as a Variant of Uncertain Significance.

NM_003126.4(SPTA1):c.3369C>G (p.Phe1123Leu)

Gene: SPTA1 (spectrin alpha, erythrocytic 1; minus strand). Cytogenetic location: 1q23.1.
Variant type: single nucleotide variant.
Coding change: c.3369C>G on transcript NM_003126.4 (MANE Select); coding-DNA position 3369, C replaced by G.
Protein change: p.Phe1123Leu; replaces phenylalanine 1123 with leucine.
Molecular consequence: missense variant.
Genome position (GRCh38, 1-based): chr1:158,652,473, G>C on the plus strand (C>G on the coding strand, the complement: SPTA1 is on the minus strand). VCF-style: chr1-158652473-G-C. GRCh37 (hg19) VCF-style: chr1-158622263-G-C.
Other names: short protein forms F1123L.
Identifiers: ClinVar variation 2764887 (VCV002764887.3), dbSNP rs1266306609, ClinGen allele CA343037205.